The following is an entry in ClinVar:

NM_006265.3(RAD21):c.431C>T (p.Thr144Ile)

Gene: RAD21 (RAD21 cohesin complex component; minus strand). Cytogenetic location: 8q24.11.
Variant type: single nucleotide variant.
Coding change: c.431C>T on transcript NM_006265.3 (MANE Select); coding-DNA position 431, C replaced by T.
Protein change: p.Thr144Ile; replaces threonine 144 with isoleucine.
Molecular consequence: missense variant.
Genome position (GRCh38, 1-based): chr8:116,858,402, G>A on the plus strand (C>T on the coding strand, the complement: RAD21 is on the minus strand). VCF-style: chr8-116858402-G-A. GRCh37 (hg19) VCF-style: chr8-117870641-G-A.
Other names: short protein forms T144I.
Identifiers: ClinVar variation 2834305 (VCV002834305.3), dbSNP rs2537299262, ClinGen allele CA372007974.
Genomic context (GRCh38, chr8:116,858,402, plus strand): 5'-TCTCTTTTACCAAAATCATTTTCTTGTAAAATACTGATGTTCCCAACTTCTTCTCTCATG[G>A]TTATCTCTTCCACTCTACTCTGATTCAAGCTGAACTGCTGGGCCACATCGATGTCACTTT-3'
Protein context (NP_006256.1, residues 134-154): SLNQSRVEEI[Thr144Ile]MREEVGNISI

ClinVar aggregate classification (germline): Uncertain significance (1 of 4 stars; one submission).

Conditions:
Cornelia de Lange syndrome 4 (CDLS4). Also called: RAD21-Related Cornelia de Lange Syndrome; CORNELIA DE LANGE SYNDROME 4 WITH OR WITHOUT MIDLINE BRAIN DEFECTS. Identifiers: Orphanet 199, MedGen C3553517, MONDO:0013864, OMIM 614701.

Submission:

Labcorp Genetics (formerly Invitae), Labcorp
Classification: Uncertain significance for Cornelia de Lange syndrome 4. Last evaluated: 2023-05-19. Review status: criteria provided, single submitter. Criteria: Invitae Variant Classification Sherloc (09022015). Collection method: clinical testing. Allele origin: germline.
Comment: This sequence change replaces threonine, which is neutral and polar, with isoleucine, which is neutral and non-polar, at codon 144 of the RAD21 protein (p.Thr144Ile). Advanced modeling of protein sequence and biophysical properties (such as structural, functional, and spatial information, amino acid conservation, physicochemical variation, residue mobility, and thermodynamic stability) performed at Invitae indicates that this missense variant is expected to disrupt RAD21 protein function. This variant has not been reported in the literature in individuals affected with RAD21-related conditions. This variant is not present in population databases (gnomAD no frequency). In summary, the available evidence is currently insufficient to determine the role of this variant in disease. Therefore, it has been classified as a Variant of Uncertain Significance.